The following is an entry in ClinVar:

ClinVar aggregate classification (germline): Benign/Likely benign. Review status: criteria provided, multiple submitters, no conflicts (2 of 4 stars). 2 submissions from 2 submitters: Benign (1); Likely benign (1). Last evaluated 2025-08-18.

Conditions:
Hereditary spastic paraplegia 75. Also called: Spastic paraplegia 75, autosomal recessive. Identifiers: Orphanet 459056, MedGen C4225250, MONDO:0014729, OMIM 616680.

Allele frequency attached by ClinVar (database versions not stated): 1000 Genomes Project 0.00120; 1000 Genomes Project 30x 0.00109; TOPMed 0.00122; ESP Exome Variant Server 0.00123; ExAC 0.00058; gnomAD 0.00115.

Submissions (2):

Labcorp Genetics (formerly Invitae), Labcorp
Classification: Benign for Hereditary spastic paraplegia 75. Last evaluated: 2025-08-18. Review status: criteria provided, single submitter. Criteria: Invitae Variant Classification Sherloc (09022015). Collection method: clinical testing. Allele origin: germline.

Mayo Clinic Laboratories, Mayo Clinic
Classification: Likely benign. Last evaluated: 2025-01-29. Review status: criteria provided, single submitter. Criteria: ACMG Guidelines, 2015. Collection method: clinical testing. Allele origin: germline. Observed: 1 variant allele.
Comment: BP4, BP7

NM_002361.4(MAG):c.1647G>A (p.Ser549=)

Gene: MAG (myelin associated glycoprotein; plus strand). Cytogenetic location: 19q13.12.
Variant type: single nucleotide variant.
Coding change: c.1647G>A on transcript NM_002361.4 (MANE Select); coding-DNA position 1647, G replaced by A.
Protein change: p.Ser549=; no amino-acid change (serine 549 retained).
Molecular consequence: synonymous variant.
Genome position (GRCh38, 1-based): chr19:35,311,948, G>A. VCF-style: chr19-35311948-G-A. GRCh37 (hg19) VCF-style: chr19-35802851-G-A.
Other names: p.Ser549=; c.1572G>A, p.Ser524= (NM_001199216.2); c.1647G>A, p.Ser549= (NM_080600.3).
Identifiers: ClinVar variation 772527 (VCV000772527.11), dbSNP rs148183570, ClinGen allele CA9376348.